The following is an entry in ClinVar:

NM_004817.4(TJP2):c.783C>T (p.Tyr261=)

Gene: TJP2 (tight junction protein 2; plus strand). Cytogenetic location: 9q21.11.
Variant type: single nucleotide variant.
Coding change: c.783C>T on transcript NM_004817.4 (MANE Select); coding-DNA position 783, C replaced by T.
Protein change: p.Tyr261=; no amino-acid change (tyrosine 261 retained).
Molecular consequence: synonymous variant.
Genome position (GRCh38, 1-based): chr9:69,221,327, C>T. VCF-style: chr9-69221327-C-T. GRCh37 (hg19) VCF-style: chr9-71836243-C-T.
Other names: c.714C>T, p.Tyr238= (NM_001170414.2, NM_001369870.1, NM_001369871.1); c.795C>T, p.Tyr265= (NM_001170415.1, NM_001369874.1, NM_001369875.1); c.876C>T, p.Tyr292= (NM_001170416.2); c.783C>T, p.Tyr261= (NM_001369872.1, NM_001369873.1, NM_201629.3).
Identifiers: ClinVar variation 4999110 (VCV004999110.1).

ClinVar aggregate classification (germline): Likely benign (1 of 4 stars; one submission).

Conditions:
TJP2-related disorder. Also called: TJP2-related condition.

gnomAD v4.1: 6 of 1,599,090 alleles (0.00038%); highest among the groups gnomAD compares: Middle Eastern, 0.017%; no homozygotes.

Submission:

PreventionGenetics, part of Exact Sciences
Classification: Likely benign for TJP2-related condition. Last evaluated: 2025-02-11. Review status: criteria provided, single submitter. Criteria: ACMG Guidelines, 2015. Collection method: clinical testing. Allele origin: germline.
Comment: This variant is classified as likely benign based on ACMG/AMP sequence variant interpretation guidelines (Richards et al. 2015 PMID: 25741868, with internal and published modifications).